The following is an entry in ClinVar:

NM_001139.3(ALOX12B):c.353-2A>G

Gene: ALOX12B (arachidonate 12-lipoxygenase, 12R type; minus strand). Cytogenetic location: 17p13.1.
Variant type: single nucleotide variant.
Coding change: c.353-2A>G on transcript NM_001139.3 (MANE Select); the canonical splice acceptor site of the intron before coding-DNA position 353, A replaced by G.
Molecular consequence: splice acceptor variant.
Genome position (GRCh38, 1-based): chr17:8,081,189, T>C on the plus strand (A>G on the coding strand, the complement: ALOX12B is on the minus strand). VCF-style: chr17-8081189-T-C. GRCh37 (hg19) VCF-style: chr17-7984507-T-C.
Identifiers: ClinVar variation 437467 (VCV000437467.9), dbSNP rs775524204, ClinGen allele CA8367693.

ClinVar aggregate classification (germline): Pathogenic. Review status: criteria provided, multiple submitters, no conflicts (2 of 4 stars). 3 submissions from 3 submitters: Pathogenic (2). 1 of the submissions does not count toward it. Last evaluated 2022-12-21.

Conditions:
Autosomal recessive congenital ichthyosis 2 (ARCI2). Identifiers: Orphanet 281122, Orphanet 79394, MedGen C3888093, MONDO:0009439, OMIM 242100.

Allele frequency attached by ClinVar (database versions not stated): gnomAD exomes below 0.00001; ExAC 0.00001; gnomAD 0.00001; TOPMed 0.00001.
gnomAD v4.1: 5 of 1,613,826 alleles (0.00031%); highest among the groups gnomAD compares: African/African-American, 0.0013%; no homozygotes.

Submissions (3):

Labcorp Genetics (formerly Invitae), Labcorp
Classification: Pathogenic. Last evaluated: 2022-12-21. Review status: criteria provided, single submitter. Criteria: Invitae Variant Classification Sherloc (09022015). Collection method: clinical testing. Allele origin: germline.
Comment: ClinVar contains an entry for this variant (Variation ID: 437467). For these reasons, this variant has been classified as Pathogenic. Algorithms developed to predict the effect of sequence changes on RNA splicing suggest that this variant may disrupt the consensus splice site. Disruption of this splice site has been observed in individuals with congenital ichthyosis (PMID: 33435499). This variant is present in population databases (rs775524204, gnomAD 0.0009%). This sequence change affects an acceptor splice site in intron 2 of the ALOX12B gene. It is expected to disrupt RNA splicing. Variants that disrupt the donor or acceptor splice site typically lead to a loss of protein function (PMID: 16199547), and loss-of-function variants in ALOX12B are known to be pathogenic (PMID: 16116617, 23621129, 31046801).

Genomic Research Center, Shahid Beheshti University of Medical Sciences
Classification: Pathogenic for Autosomal recessive congenital ichthyosis 2. Last evaluated: 2020-05-03. Review status: criteria provided, single submitter. Criteria: ACMG Guidelines, 2015. Collection method: clinical testing. Allele origin: unknown. Affected: yes.

Institute for Human Genetics, University Medical Center Freiburg
Classification: Pathogenic for Autosomal recessive congenital ichthyosis 2. Last evaluated: 2021-01-07. Review status: no assertion criteria provided. Collection method: clinical testing. Allele origin: unknown. Affected: yes. Not counted in ClinVar's aggregate classification.

Literature cited by the submitters: PubMed 33435499 (cited by Labcorp Genetics (formerly Invitae), Labcorp); PubMed 16199547 (cited by Labcorp Genetics (formerly Invitae), Labcorp); PubMed 16116617 (cited by Labcorp Genetics (formerly Invitae), Labcorp); PubMed 23621129 (cited by Labcorp Genetics (formerly Invitae), Labcorp); PubMed 31046801 (cited by Labcorp Genetics (formerly Invitae), Labcorp).